The following is an entry in ClinVar:

NM_006206.6(PDGFRA):c.2992G>C (p.Asp998His)

Gene: PDGFRA (platelet derived growth factor receptor alpha; plus strand). Cytogenetic location: 4q12.
Variant type: single nucleotide variant.
Coding change: c.2992G>C on transcript NM_006206.6 (MANE Select); coding-DNA position 2992, G replaced by C.
Protein change: p.Asp998His; replaces aspartic acid 998 with histidine.
Molecular consequence: missense variant.
Genome position (GRCh38, 1-based): chr4:54,290,424, G>C. VCF-style: chr4-54290424-G-C. GRCh37 (hg19) VCF-style: chr4-55156591-G-C.
Other names: c.3067G>C, p.Asp1023His (NM_001347828.2); c.2992G>C, p.Asp998His (NM_001347829.2); c.3031G>C, p.Asp1011His (NM_001347830.2); c.2992G>C (NM_006206.4); short protein forms D1011H, D1023H, D998H.
Identifiers: ClinVar variation 1025233 (VCV001025233.10), dbSNP rs1724569559, ClinGen allele CA356896143.

ClinVar aggregate classification (germline): Uncertain significance. Review status: criteria provided, multiple submitters, no conflicts (2 of 4 stars). 2 submissions from 2 submitters: Uncertain significance (2). Last evaluated 2024-10-29.

Conditions:
Hereditary cancer-predisposing syndrome. Also called: Tumor predisposition; Neoplastic Syndromes, Hereditary; Hereditary neoplastic syndrome; Hereditary Cancer Syndrome. Identifiers: Orphanet 140162, MedGen C0027672, MeSH D009386, MONDO:0015356.
Gastrointestinal stromal tumor. Also called: Gastrointestinal stromal tumor, somatic; Gastrointestinal stroma tumor. Identifiers: Orphanet 44890, MedGen C0238198, MeSH D046152, MONDO:0011719, OMIM 606764, HP:0100723.

Submissions (2):

Ambry Genetics
Classification: Uncertain significance for Hereditary cancer-predisposing syndrome. Last evaluated: 2024-10-29. Review status: criteria provided, single submitter. Criteria: Ambry Variant Classification Scheme 2023. Collection method: clinical testing. Allele origin: germline.
Comment: The p.D998H variant (also known as c.2992G>C), located in coding exon 21 of the PDGFRA gene, results from a G to C substitution at nucleotide position 2992. The aspartic acid at codon 998 is replaced by histidine, an amino acid with similar properties. This amino acid position is conserved. In addition, this alteration is predicted to be tolerated by in silico analysis. Based on the available evidence, the clinical significance of this variant remains unclear.

Labcorp Genetics (formerly Invitae), Labcorp
Classification: Uncertain significance for Gastrointestinal stromal tumor. Last evaluated: 2020-10-10. Review status: criteria provided, single submitter. Criteria: Invitae Variant Classification Sherloc (09022015). Collection method: clinical testing. Allele origin: germline.
Comment: This sequence change replaces aspartic acid with histidine at codon 998 of the PDGFRA protein (p.Asp998His). The aspartic acid residue is moderately conserved and there is a moderate physicochemical difference between aspartic acid and histidine. This variant is not present in population databases (ExAC no frequency). This variant has not been reported in the literature in individuals with PDGFRA-related conditions. Algorithms developed to predict the effect of missense changes on protein structure and function (SIFT, PolyPhen-2, Align-GVGD) all suggest that this variant is likely to be tolerated, but these predictions have not been confirmed by published functional studies and their clinical significance is uncertain. In summary, the available evidence is currently insufficient to determine the role of this variant in disease. Therefore, it has been classified as a Variant of Uncertain Significance.